The following is an entry in ClinVar:

NM_001868.4(CPA1):c.77T>G (p.Leu26Arg)

Gene: CPA1 (carboxypeptidase A1; plus strand). Cytogenetic location: 7q32.2.
Variant type: single nucleotide variant.
Coding change: c.77T>G on transcript NM_001868.4 (MANE Select); coding-DNA position 77, T replaced by G.
Protein change: p.Leu26Arg; replaces leucine 26 with arginine.
Molecular consequence: missense variant.
Genome position (GRCh38, 1-based): chr7:130,381,109, T>G. VCF-style: chr7-130381109-T-G. GRCh37 (hg19) VCF-style: chr7-130020950-T-G.
Other names: short protein forms L26R.
Identifiers: ClinVar variation 1760694 (VCV001760694.3), dbSNP rs2536003652, ClinGen allele CA369279188.

ClinVar aggregate classification (germline): Uncertain significance (1 of 4 stars; one submission).

Conditions:
Hereditary pancreatitis (PCTT). Also called: Hereditary chronic pancreatitis; PRSS1-Related Hereditary Pancreatitis. Identifiers: Orphanet 676, MedGen C0238339, MONDO:0008185, OMIM 167800.

Submission:

Ambry Genetics
Classification: Uncertain significance for Hereditary pancreatitis. Last evaluated: 2024-11-23. Review status: criteria provided, single submitter. Criteria: Ambry Variant Classification Scheme 2023. Collection method: clinical testing. Allele origin: germline.
Comment: The p.L26R variant (also known as c.77T>G), located in coding exon 2 of the CPA1 gene, results from a T to G substitution at nucleotide position 77. The leucine at codon 26 is replaced by arginine, an amino acid with dissimilar properties. This amino acid position is conserved. In addition, the in silico prediction for this alteration is inconclusive. Since supporting evidence is limited at this time, the clinical significance of this alteration remains unclear.